The following is an entry in ClinVar:

ClinVar aggregate classification (germline): Uncertain significance. Review status: criteria provided, multiple submitters, no conflicts (2 of 4 stars). 2 submissions from 2 submitters: Uncertain significance (2). Last evaluated 2024-11-01.

Conditions:
Cardiovascular phenotype. Identifiers: MedGen CN230736.

gnomAD v4.1: 10 of 1,614,064 alleles (0.00062%); highest among the groups gnomAD compares: Non-Finnish European, 0.00085%; no homozygotes.

Submissions (2):

CeGaT Center for Human Genetics Tuebingen
Classification: Uncertain significance. Last evaluated: 2024-11-01. Review status: criteria provided, single submitter. Criteria: CeGaT Center For Human Genetics Tuebingen Variant Classification Criteria Version 2. Collection method: clinical testing. Allele origin: germline. Affected: yes. Observed: 1 variant allele.
Comment: TTN: PM2, BP4

Ambry Genetics
Classification: Uncertain significance for Cardiovascular phenotype. Last evaluated: 2024-06-07. Review status: criteria provided, single submitter. Criteria: Ambry Variant Classification Scheme 2023. Collection method: clinical testing. Allele origin: germline.
Comment: The c.9168-3T>C intronic variant results from a T to C substitution 3 nucleotides upstream from coding exon 38 in the TTN gene. This nucleotide position is poorly conserved in available vertebrate species. In silico splice site analysis predicts that this alteration will not have any significant effect on splicing. Based on the available evidence, the clinical significance of this variant remains unclear.

NM_001267550.2(TTN):c.9306-3T>C

Gene: TTN (titin; minus strand). Cytogenetic location: 2q31.2.
Variant type: single nucleotide variant.
Coding change: c.9306-3T>C on transcript NM_001267550.2 (MANE Select); 3 bases into the intron before coding-DNA position 9306, T replaced by C.
Molecular consequence: intron variant.
Genome position (GRCh38, 1-based): chr2:178,767,927, A>G on the plus strand (T>C on the coding strand, the complement: TTN is on the minus strand). VCF-style: chr2-178767927-A-G. GRCh37 (hg19) VCF-style: chr2-179632654-A-G.
Other names: c.9168-3T>C (NM_003319.4, NM_133437.4, NM_133432.3); c.9306-3T>C (NM_133378.4, NM_001256850.1, NM_133379.5).
Identifiers: ClinVar variation 3330122 (VCV003330122.15).